The following is an entry in ClinVar:

ClinVar aggregate classification (germline): Uncertain significance. Review status: criteria provided, multiple submitters, no conflicts (2 of 4 stars). 5 submissions from 5 submitters: Uncertain significance (5). Last evaluated 2026-07-06.

Conditions:
Cardiovascular phenotype. Identifiers: MedGen CN230736.
Cardiac arrhythmia. Also called: Cardiac rhythm disease; Arrhythmia. Identifiers: MedGen C0003811, MONDO:0007263, HP:0011675.
Long QT syndrome (LQTS). Identifiers: MedGen C0023976, MeSH D008133, MONDO:0002442. Disease mechanism: loss of function. Inheritance: Various modes of inheritance.

Allele frequency attached by ClinVar (database versions not stated): TOPMed below 0.00001; gnomAD 0.00001; gnomAD exomes below 0.00001.

Submissions (5):

Ambry Genetics
Classification: Uncertain significance for Cardiovascular phenotype. Last evaluated: 2026-07-06. Review status: criteria provided, single submitter. Criteria: Ambry Variant Classification Scheme 2023. Collection method: clinical testing. Allele origin: germline.
Comment: The p.T152S variant (also known as c.455C>G), located in coding exon 3 of the KCNH2 gene, results from a C to G substitution at nucleotide position 455. The threonine at codon 152 is replaced by serine, an amino acid with similar properties. This amino acid position is well conserved in available vertebrate species. In addition, this alteration is predicted to be tolerated by in silico analysis. Based on the available evidence, the clinical significance of this variant remains unclear.

All of Us Research Program, National Institutes of Health
Classification: Uncertain significance for Long QT syndrome. Last evaluated: 2024-04-16. Review status: criteria provided, single submitter. Criteria: ACMG Guidelines, 2015. Collection method: clinical testing. Allele origin: germline. Inheritance: Autosomal dominant inheritance. Observed: 2 variant alleles, 2 heterozygotes.
Comment: This missense variant replaces threonine with serine at codon 152 of the KCNH2 protein. Computational prediction is inconclusive regarding the impact of this variant on protein structure and function (internally defined REVEL score threshold 0.5 < inconclusive < 0.7, PMID: 27666373). To our knowledge, functional studies have not been reported for this variant. This variant has not been reported in individuals affected with cardiovascular disorders in the literature. This variant has been identified in 1/250686 chromosomes in the general population by the Genome Aggregation Database (gnomAD). The available evidence is insufficient to determine the role of this variant in disease conclusively. Therefore, this variant is classified as a Variant of Uncertain Significance.

This study involves interpretation of variants in research participants for the purpose of population health screening. Participant phenotype was not available at the time of variant classification. Additional details can be found in publication PMID: 35346344, PMCID: PMC8962531

Color Diagnostics, LLC DBA Color Health
Classification: Uncertain significance for Cardiac arrhythmia. Last evaluated: 2024-03-19. Review status: criteria provided, single submitter. Criteria: ACMG Guidelines, 2015. Collection method: clinical testing. Allele origin: germline.
Comment: This missense variant replaces threonine with serine at codon 152 of the KCNH2 protein. Computational prediction is inconclusive regarding the impact of this variant on protein structure and function. To our knowledge, functional studies have not been reported for this variant. This variant has not been reported in individuals affected with cardiovascular disorders in the literature. This variant has been identified in 1/250686 chromosomes in the general population by the Genome Aggregation Database (gnomAD). The available evidence is insufficient to determine the role of this variant in disease conclusively. Therefore, this variant is classified as a Variant of Uncertain Significance.

Labcorp Genetics (formerly Invitae), Labcorp
Classification: Uncertain significance for Long QT syndrome. Last evaluated: 2022-10-17. Review status: criteria provided, single submitter. Criteria: Invitae Variant Classification Sherloc (09022015). Collection method: clinical testing. Allele origin: germline.
Comment: In summary, the available evidence is currently insufficient to determine the role of this variant in disease. Therefore, it has been classified as a Variant of Uncertain Significance. Algorithms developed to predict the effect of missense changes on protein structure and function output the following: SIFT: "Tolerated"; PolyPhen-2: "Benign"; Align-GVGD: "Class C0". The serine amino acid residue is found in multiple mammalian species, which suggests that this missense change does not adversely affect protein function. ClinVar contains an entry for this variant (Variation ID: 200288). This variant has not been reported in the literature in individuals affected with KCNH2-related conditions. This variant is present in population databases (rs794728354, gnomAD 0.0009%). This sequence change replaces threonine, which is neutral and polar, with serine, which is neutral and polar, at codon 152 of the KCNH2 protein (p.Thr152Ser).

GeneDx
Classification: Uncertain significance. Last evaluated: 2013-08-21. Review status: criteria provided, single submitter. Criteria: GeneDx Variant Classification (06012015). Collection method: clinical testing. Allele origin: germline. Affected: yes.
Comment: p.Thr152Ser (ACC>AGC): c.455 C>G in exon 3 of the KCNH2 gene (NM_000238.2). The Thr152Ser variant in the KCNH2 gene has not been reported as a disease-causing mutation or as a benign polymorphism to our knowledge. Thr152Ser results in a conservative amino acid substitution of one neutral, polar amnio acid for another at a position that is not well conserved across species. In silico analysis predicts Thr152Ser is benign to the protein structure/function. However, mutations in nearby residues (Pro141Leu, Arg148Trp, Gly149Ala) have been reported in association with LQTS, supporting the functional importance of this region of the protein. The Thr152Ser variant was not observed in approximately 6,500 individuals of European and African American ancestry in the NHLBI Exome Sequencing Project, indicating it is not a common benign variant in these populations.With the clinical and molecular information available at this time, we cannot definitively determine if Thr152Ser is a disease-causing mutation or a rare benign variant. The variant is found in LQT panel(s).

NM_000238.4(KCNH2):c.455C>G (p.Thr152Ser)

Gene: KCNH2 (potassium voltage-gated channel subfamily H member 2; minus strand). Cytogenetic location: 7q36.1.
Variant type: single nucleotide variant.
Coding change: c.455C>G on transcript NM_000238.4 (MANE Select); coding-DNA position 455, C replaced by G.
Protein change: p.Thr152Ser; replaces threonine 152 with serine.
Molecular consequence: missense variant.
Genome position (GRCh38, 1-based): chr7:150,959,589, G>C on the plus strand (C>G on the coding strand, the complement: KCNH2 is on the minus strand). VCF-style: chr7-150959589-G-C. GRCh37 (hg19) VCF-style: chr7-150656677-G-C.
Other names: p.T152S:ACC>AGC; c.167C>G, p.Thr56Ser (NM_001406753.1, NM_001406756.1); c.278C>G, p.Thr93Ser (NM_001406755.1); c.155C>G, p.Thr52Ser (NM_001406757.1); c.455C>G, p.Thr152Ser (NM_172056.3); short protein forms T152S, T56S, T52S, T93S.
Identifiers: ClinVar variation 200288 (VCV000200288.17), dbSNP rs794728354, ClinGen allele CA008479.